The following is an entry in ClinVar:

NM_006059.4(LAMC3):c.3247C>A (p.Leu1083Ile)

Gene: LAMC3 (laminin subunit gamma 3; plus strand). Cytogenetic location: 9q34.12.
Variant type: single nucleotide variant.
Coding change: c.3247C>A on transcript NM_006059.4 (MANE Select); coding-DNA position 3247, C replaced by A.
Protein change: p.Leu1083Ile; replaces leucine 1083 with isoleucine.
Molecular consequence: missense variant.
Genome position (GRCh38, 1-based): chr9:131,072,665, C>A. VCF-style: chr9-131072665-C-A. GRCh37 (hg19) VCF-style: chr9-133948052-C-A.
Other names: short protein forms L1083I.
Identifiers: ClinVar variation 1331249 (VCV001331249.2), dbSNP rs1170788243, ClinGen allele CA375258550.

ClinVar aggregate classification (germline): Uncertain significance (1 of 4 stars; one submission).

Submission:

GeneDx
Classification: Uncertain significance. Last evaluated: 2021-07-01. Review status: criteria provided, single submitter. Criteria: GeneDx Variant Classification Process June 2021. Collection method: clinical testing. Allele origin: germline. Affected: yes.
Comment: Not observed at significant frequency in large population cohorts (Lek et al., 2016); In silico analysis supports that this missense variant does not alter protein structure/function; Has not been previously published as pathogenic or benign to our knowledge; This variant is associated with the following publications: (PMID: 27535533)